The following is an entry in ClinVar:

NM_002519.3(NPAT):c.3658G>T (p.Val1220Leu)

Gene: NPAT (nuclear protein, coactivator of histone transcription; minus strand). Cytogenetic location: 11q22.3.
Variant type: single nucleotide variant.
Coding change: c.3658G>T on transcript NM_002519.3 (MANE Select); coding-DNA position 3658, G replaced by T.
Protein change: p.Val1220Leu; replaces valine 1220 with leucine.
Molecular consequence: missense variant.
Genome position (GRCh38, 1-based): chr11:108,161,428, C>A on the plus strand (G>T on the coding strand, the complement: NPAT is on the minus strand). VCF-style: chr11-108161428-C-A. GRCh37 (hg19) VCF-style: chr11-108032155-C-A.
Other names: c.3679G>T, p.Val1227Leu (NM_001321307.1); short protein forms V1227L, V1220L.
Identifiers: ClinVar variation 3300721 (VCV003300721.1).

ClinVar aggregate classification (germline): Uncertain significance (1 of 4 stars; one submission).

Submission:

Ambry Genetics
Classification: Uncertain significance. Last evaluated: 2024-06-15. Review status: criteria provided, single submitter. Criteria: Ambry Variant Classification Scheme 2023. Collection method: clinical testing. Allele origin: germline.
Comment: The p.V1220L variant (also known as c.3658G>T), located in coding exon 17 of the NPAT gene, results from a G to T substitution at nucleotide position 3658. The valine at codon 1220 is replaced by leucine, an amino acid with highly similar properties. This amino acid position is conserved. In addition, this alteration is predicted to be tolerated by in silico analysis. Based on the available evidence, the clinical significance of this variant remains unclear.